The following is an entry in ClinVar:

ClinVar aggregate classification (germline): Uncertain significance (1 of 4 stars; one submission).

Submission:

GeneDx
Classification: Uncertain significance. Last evaluated: 2024-10-08. Review status: criteria provided, single submitter. Criteria: GeneDx Variant Classification Process June 2021. Collection method: clinical testing. Allele origin: germline. Affected: yes.
Comment: Not observed at significant frequency in large population cohorts (gnomAD); In silico analysis supports that this missense variant has a deleterious effect on protein structure/function; Has not been previously published as pathogenic or benign to our knowledge

NM_001020658.2(PUM1):c.2482G>A (p.Gly828Ser)

Gene: PUM1 (pumilio RNA binding family member 1; minus strand). Cytogenetic location: 1p35.2.
Variant type: single nucleotide variant.
Coding change: c.2482G>A on transcript NM_001020658.2 (MANE Select); coding-DNA position 2482, G replaced by A.
Protein change: p.Gly828Ser; replaces glycine 828 with serine.
Molecular consequence: missense variant.
Genome position (GRCh38, 1-based): chr1:30,953,823, C>T on the plus strand (G>A on the coding strand, the complement: PUM1 is on the minus strand). VCF-style: chr1-30953823-C-T. GRCh37 (hg19) VCF-style: chr1-31426670-C-T.
Other names: c.2482G>A, p.Gly828Ser (NM_014676.3); short protein forms G828S.
Identifiers: ClinVar variation 3777537 (VCV003777537.1).